The following is an entry in ClinVar:

NM_004064.5(CDKN1B):c.368C>G (p.Ala123Gly)

Gene: CDKN1B (cyclin dependent kinase inhibitor 1B; plus strand). Cytogenetic location: 12p13.1.
Variant type: single nucleotide variant.
Coding change: c.368C>G on transcript NM_004064.5 (MANE Select); coding-DNA position 368, C replaced by G.
Protein change: p.Ala123Gly; replaces alanine 123 with glycine.
Molecular consequence: missense variant.
Genome position (GRCh38, 1-based): chr12:12,718,207, C>G. VCF-style: chr12-12718207-C-G. GRCh37 (hg19) VCF-style: chr12-12871141-C-G.
Other names: short protein forms A123G.
Identifiers: ClinVar variation 2450785 (VCV002450785.5), dbSNP rs1427690050, ClinGen allele CA383970452.
Genomic context (GRCh38, chr12:12,718,207, plus strand): 5'-CGCAGGAGAGCCAGGATGTCAGCGGGAGCCGCCCGGCGGCGCCTTTAATTGGGGCTCCGG[C>G]TAACTCTGAGGACACGCATTTGGTGGACCCAAAGACTGATCCGTCGGACAGCCAGACGGG-3'
Protein context (NP_004055.1, residues 113-133): RPAAPLIGAP[Ala123Gly]NSEDTHLVDP

ClinVar aggregate classification (germline): Conflicting classifications of pathogenicity. Review status: criteria provided, conflicting classifications (1 of 4 stars). 2 submissions from 2 submitters: Uncertain significance (1); Likely benign (1). Last evaluated 2025-01-31.

Conditions:
Hereditary cancer-predisposing syndrome. Also called: Hereditary neoplastic syndrome; Tumor predisposition; Neoplastic Syndromes, Hereditary; Hereditary Cancer Syndrome. Identifiers: Orphanet 140162, MedGen C0027672, MeSH D009386, MONDO:0015356.
Multiple endocrine neoplasia type 4. Also called: MULTIPLE ENDOCRINE NEOPLASIA, TYPE IV. Identifiers: Orphanet 276152, MedGen C1970712, MONDO:0012552, OMIM 610755.

Allele frequency attached by ClinVar (database versions not stated): gnomAD 0.00001; TOPMed 0.00001.

Submissions (2):

Ambry Genetics
Classification: Likely benign for Hereditary cancer-predisposing syndrome. Last evaluated: 2025-01-31. Review status: criteria provided, single submitter. Criteria: Ambry Variant Classification Scheme 2023. Collection method: clinical testing. Allele origin: germline.

Labcorp Genetics (formerly Invitae), Labcorp
Classification: Uncertain significance for Multiple endocrine neoplasia type 4. Last evaluated: 2024-07-21. Review status: criteria provided, single submitter. Criteria: Invitae Variant Classification Sherloc (09022015). Collection method: clinical testing. Allele origin: germline.
Comment: This sequence change replaces alanine, which is neutral and non-polar, with glycine, which is neutral and non-polar, at codon 123 of the CDKN1B protein (p.Ala123Gly). This variant is not present in population databases (gnomAD no frequency). This variant has not been reported in the literature in individuals affected with CDKN1B-related conditions. ClinVar contains an entry for this variant (Variation ID: 2450785). An algorithm developed to predict the effect of missense changes on protein structure and function outputs the following: PolyPhen-2: "Benign". The glycine amino acid residue is found in multiple mammalian species, which suggests that this missense change does not adversely affect protein function. In summary, the available evidence is currently insufficient to determine the role of this variant in disease. Therefore, it has been classified as a Variant of Uncertain Significance.